The following is an entry in ClinVar:

ClinVar aggregate classification (germline): Uncertain significance. Review status: criteria provided, multiple submitters, no conflicts (2 of 4 stars). 2 submissions from 2 submitters: Uncertain significance (2). Last evaluated 2025-09-16.

Conditions:
Hereditary cancer-predisposing syndrome. Also called: Hereditary Cancer Syndrome; Hereditary neoplastic syndrome; Neoplastic Syndromes, Hereditary; Tumor predisposition. Identifiers: Orphanet 140162, MedGen C0027672, MeSH D009386, MONDO:0015356.
Cardiovascular phenotype. Identifiers: MedGen CN230736.

Allele frequency attached by ClinVar (database versions not stated): gnomAD exomes below 0.00001.
gnomAD v4.1: 3 of 1,608,938 alleles (0.00019%); highest among the groups gnomAD compares: Non-Finnish European, 0.00025%; no homozygotes.

Submissions (2):

Labcorp Genetics (formerly Invitae), Labcorp
Classification: Uncertain significance. Last evaluated: 2025-09-16. Review status: criteria provided, single submitter. Criteria: Invitae Variant Classification Sherloc (09022015). Collection method: clinical testing. Allele origin: germline.
Comment: This sequence change replaces threonine, which is neutral and polar, with alanine, which is neutral and non-polar, at codon 264 of the LZTR1 protein (p.Thr264Ala). This variant is not present in population databases (gnomAD no frequency). This variant has not been reported in the literature in individuals affected with LZTR1-related conditions. ClinVar contains an entry for this variant (Variation ID: 2993354). An algorithm developed to predict the effect of missense changes on protein structure and function (PolyPhen-2) suggests that this variant is likely to be tolerated. In summary, the available evidence is currently insufficient to determine the role of this variant in disease. Therefore, it has been classified as a Variant of Uncertain Significance.

Ambry Genetics
Classification: Uncertain significance for Cardiovascular phenotype; Hereditary cancer-predisposing syndrome. Last evaluated: 2023-10-06. Review status: criteria provided, single submitter. Criteria: Ambry Variant Classification Scheme 2023. Collection method: clinical testing. Allele origin: germline.
Comment: The p.T264A variant (also known as c.790A>G), located in coding exon 8 of the LZTR1 gene, results from an A to G substitution at nucleotide position 790. The threonine at codon 264 is replaced by alanine, an amino acid with similar properties. This amino acid position is conserved. In addition, this alteration is predicted to be tolerated by in silico analysis. Since supporting evidence is limited at this time, the clinical significance of this alteration remains unclear.

NM_006767.4(LZTR1):c.790A>G (p.Thr264Ala)

Gene: LZTR1 (leucine zipper like post translational regulator 1; plus strand). Cytogenetic location: 22q11.21.
Variant type: single nucleotide variant.
Coding change: c.790A>G on transcript NM_006767.4 (MANE Select); coding-DNA position 790, A replaced by G.
Protein change: p.Thr264Ala; replaces threonine 264 with alanine.
Molecular consequence: missense variant.
Genome position (GRCh38, 1-based): chr22:20,990,524, A>G. VCF-style: chr22-20990524-A-G. GRCh37 (hg19) VCF-style: chr22-21344813-A-G.
Other names: c.790A>G (NM_006767.3); short protein forms T264A.
Identifiers: ClinVar variation 2993354 (VCV002993354.4), dbSNP rs1674068727, ClinGen allele CA410780999.